The following is an entry in ClinVar:

NM_002890.3(RASA1):c.1345G>C (p.Val449Leu)

Genes: CCNH (cyclin H; minus strand), RASA1 (RAS p21 protein activator 1; plus strand). Cytogenetic location: 5q14.3.
Variant type: single nucleotide variant.
Coding change: c.1345G>C on transcript NM_002890.3 (MANE Select); coding-DNA position 1345, G replaced by C.
Protein change: p.Val449Leu; replaces valine 449 with leucine.
Molecular consequence: missense variant. On other transcripts: intron variant (1).
Genome position (GRCh38, 1-based): chr5:87,362,563, G>C. VCF-style: chr5-87362563-G-C. GRCh37 (hg19) VCF-style: chr5-86658380-G-C.
Other names: c.814G>C, p.Val272Leu (NM_022650.3); c.933+32481C>G (NM_001364075.2); short protein forms V449L, V272L.
Identifiers: ClinVar variation 2103210 (VCV002103210.4), dbSNP rs1158633040, ClinGen allele CA360367345.

ClinVar aggregate classification (germline): Uncertain significance (1 of 4 stars; one submission).

Conditions:
Capillary malformation-arteriovenous malformation syndrome. Also called: Capillary malformation-arteriovenous malformation. Identifiers: Orphanet 137667, MedGen C1842180, MONDO:0012016.

Allele frequency attached by ClinVar (database versions not stated): gnomAD exomes below 0.00001.
gnomAD v4.1: 1 of 1,591,528 alleles (0.000063%); highest among the groups gnomAD compares: South Asian, 0.0011%; no homozygotes.

Submission:

Labcorp Genetics (formerly Invitae), Labcorp
Classification: Uncertain significance for Capillary malformation-arteriovenous malformation syndrome. Last evaluated: 2022-02-25. Review status: criteria provided, single submitter. Criteria: Invitae Variant Classification Sherloc (09022015). Collection method: clinical testing. Allele origin: germline.
Comment: In summary, the available evidence is currently insufficient to determine the role of this variant in disease. Therefore, it has been classified as a Variant of Uncertain Significance. Algorithms developed to predict the effect of missense changes on protein structure and function (SIFT, PolyPhen-2, Align-GVGD) all suggest that this variant is likely to be tolerated. This variant has not been reported in the literature in individuals affected with RASA1-related conditions. This variant is present in population databases (no rsID available, gnomAD 0.003%). This sequence change replaces valine, which is neutral and non-polar, with leucine, which is neutral and non-polar, at codon 449 of the RASA1 protein (p.Val449Leu).